The following is an entry in ClinVar:

NM_005629.4(SLC6A8):c.1040_1044delinsAAGA (p.Ile347fs)

Gene: SLC6A8 (solute carrier family 6 member 8; plus strand). Cytogenetic location: Xq28.
Variant type: Indel.
Coding change: c.1040_1044delinsAAGA on transcript NM_005629.4 (MANE Select); coding-DNA positions 1040 to 1044, TCAAC replaced by AAGA.
Protein change: p.Ile347fs; shifts the reading frame from isoleucine 347.
Molecular consequence: frameshift variant. On other transcripts: intron variant (1).
Genome position (GRCh38, 1-based): chrX:153,693,485-153,693,489, TCAAC replaced by AAGA. VCF-style: chrX-153693485-TCAAC-AAGA. GRCh37 (hg19) VCF-style: chrX-152958940-TCAAC-AAGA.
Other names: c.695_699delinsAAGA, p.Ile232fs (NM_001142806.1); c.1017-7_1017-3delinsAAGA (NM_001142805.2); short protein forms I347fs, I232fs.
Identifiers: ClinVar variation 966448 (VCV000966448.7), dbSNP rs2091469248, ClinGen allele CA1139667845.

ClinVar aggregate classification (germline): Pathogenic (1 of 4 stars; one submission).

Conditions:
Creatine transporter deficiency (CCDS1). Also called: Creatine Transporter (CRTR) Deficiency; Mental retardation , X-linked with seizures, short stature and midface hypoplasia; Mental retardation , X-linked, with creatine transport deficiency; X-linked creatine transporter deficiency; X-linked creatine deficiency syndrome; SLC6A8-Related Creatine Transporter Deficiency. Identifiers: Orphanet 52503, MedGen C1845862, MONDO:0010305, OMIM 300352.

Submission:

Labcorp Genetics (formerly Invitae), Labcorp
Classification: Pathogenic for Creatine transporter deficiency. Last evaluated: 2019-12-19. Review status: criteria provided, single submitter. Criteria: Invitae Variant Classification Sherloc (09022015). Collection method: clinical testing. Allele origin: germline.
Comment: For these reasons, this variant has been classified as Pathogenic. Loss-of-function variants in SLC6A8 are known to be pathogenic (PMID: 22281021). This variant has not been reported in the literature in individuals with SLC6A8-related conditions. This variant is not present in population databases (ExAC no frequency). This sequence change creates a premature translational stop signal (p.Ile347Lysfs*49) in the SLC6A8 gene. It is expected to result in an absent or disrupted protein product.

Literature cited by the submitters: PubMed 22281021.